The following is an entry in ClinVar:

ClinVar aggregate classification (germline): Uncertain significance. Review status: criteria provided, single submitter (1 of 4 stars). 2 submissions from 2 submitters: Uncertain significance (1). 1 of the submissions does not count toward it. Last evaluated 2024-06-17.

Conditions:
POU6F2-related disorder. Also called: POU6F2-related condition.

Allele frequency attached by ClinVar (database versions not stated): ESP Exome Variant Server 0.00023; ExAC 0.00048; TOPMed 0.00053; gnomAD 0.00056.
gnomAD v4.1: 1,268 of 1,613,964 alleles (0.079%); highest among the groups gnomAD compares: Non-Finnish European, 0.099%; 5 homozygotes.

Submissions (2):

Ambry Genetics
Classification: Uncertain significance. Last evaluated: 2024-06-17. Review status: criteria provided, single submitter. Criteria: Ambry Variant Classification Scheme 2023. Collection method: clinical testing. Allele origin: germline.

PreventionGenetics, part of Exact Sciences
Classification: Likely benign for POU6F2-related condition. Last evaluated: 2020-07-20. Review status: no assertion criteria provided. Collection method: clinical testing. Allele origin: germline. Not counted in ClinVar's aggregate classification.
Comment: This variant is classified as likely benign based on ACMG/AMP sequence variant interpretation guidelines (Richards et al. 2015 PMID: 25741868, with internal and published modifications).

NM_001370959.1(POU6F2):c.905C>T (p.Pro302Leu)

Gene: POU6F2 (POU class 6 homeobox 2; plus strand). Cytogenetic location: 7p14.1.
Variant type: single nucleotide variant.
Coding change: c.905C>T on transcript NM_001370959.1 (MANE Select); coding-DNA position 905, C replaced by T.
Protein change: p.Pro302Leu; replaces proline 302 with leucine.
Molecular consequence: missense variant.
Genome position (GRCh38, 1-based): chr7:39,339,948, C>T. VCF-style: chr7-39339948-C-T. GRCh37 (hg19) VCF-style: chr7-39379547-C-T.
Other names: c.818C>T, p.Pro273Leu (NM_001166018.2, NM_007252.4); short protein forms P273L, P302L.
Identifiers: ClinVar variation 2341583 (VCV002341583.5), dbSNP rs144939808, ClinGen allele CA4227654.